The following is an entry in ClinVar:

ClinVar aggregate classification (germline): Uncertain significance (1 of 4 stars; one submission).

Submission:

Labcorp Genetics (formerly Invitae), Labcorp
Classification: Uncertain significance. Last evaluated: 2021-09-19. Review status: criteria provided, single submitter. Criteria: Invitae Variant Classification Sherloc (09022015). Collection method: clinical testing. Allele origin: germline.
Comment: This sequence change affects codon 193 of the TONSL mRNA. It is a 'silent' change, meaning that it does not change the encoded amino acid sequence of the TONSL protein. It affects a nucleotide within the consensus splice site of the intron. This variant is not present in population databases (ExAC no frequency). This variant has not been reported in the literature in individuals affected with TONSL-related conditions. Algorithms developed to predict the effect of sequence changes on RNA splicing suggest that this variant is not likely to affect RNA splicing. In summary, the available evidence is currently insufficient to determine the role of this variant in disease. Therefore, it has been classified as a Variant of Uncertain Significance.

NM_013432.5(TONSL):c.579G>A (p.Glu193=)

Gene: TONSL (tonsoku like, DNA repair protein; minus strand). Cytogenetic location: 8q24.3.
Variant type: single nucleotide variant.
Coding change: c.579G>A on transcript NM_013432.5 (MANE Select); coding-DNA position 579, G replaced by A.
Protein change: p.Glu193=; no amino-acid change (glutamic acid 193 retained).
Molecular consequence: synonymous variant.
Genome position (GRCh38, 1-based): chr8:144,442,412, C>T on the plus strand (G>A on the coding strand, the complement: TONSL is on the minus strand). VCF-style: chr8-144442412-C-T. GRCh37 (hg19) VCF-style: chr8-145667795-C-T.
Identifiers: ClinVar variation 1382161 (VCV001382161.6), dbSNP rs1823754304, ClinGen allele CA463558266.
Genomic context (GRCh38, chr8:144,442,412, plus strand): 5'-CCAGTGGATGGTGCCCAGGTTGTAGCGGGCGCGGAATAGGTCCTCGTAAAGGTGGTTCTG[C>T]CTGCAGAGGGGTGACGACCACTGAGCACCCAGGAGTGTCCATGACAGCTGCTGATGCCAC-3'
Protein context (NP_038460.4, residues 183-203): DYFRKSIFLA[Glu193=]QNHLYEDLFR